The following is an entry in ClinVar:

NM_001754.5(RUNX1):c.508+259C>T

Genes: RUNX1 (RUNX family transcription factor 1; minus strand), RUNX1-AS1 (RUNX1 antisense RNA 1; plus strand). Cytogenetic location: 21q22.12.
Variant type: single nucleotide variant.
Coding change: c.508+259C>T on transcript NM_001754.5 (MANE Select); 259 bases into the intron after coding-DNA position 508, C replaced by T.
Molecular consequence: intron variant.
Genome position (GRCh38, 1-based): chr21:34,880,298, G>A on the plus strand (C>T on the coding strand, the complement: RUNX1 is on the minus strand). VCF-style: chr21-34880298-G-A. GRCh37 (hg19) VCF-style: chr21-36252595-G-A.
Other names: c.427+259C>T (NM_001001890.3, NM_001122607.2).
Identifiers: ClinVar variation 1222743 (VCV001222743.4), dbSNP rs2298351, ClinGen allele CA14885658.
Genomic context (GRCh38, chr21:34,880,298, plus strand): 5'-TAATCCTAGTTTCATTAAAGTCAGTTTTATATTTTTTGCATTTTAGTAAAAATCTCAGGC[G>A]TTTCTTTGAAATTCACAATTCCTACGTTGCATGTTCCAAATCAGTCTTAAATCCACTCAG-3'

ClinVar aggregate classification (germline): Benign. Review status: reviewed by expert panel (3 of 4 stars). 2 submissions from 2 submitters: Benign (1). 1 of the submissions does not count toward it. Last evaluated 2024-08-28.

Conditions:
Hereditary thrombocytopenia and hematologic cancer predisposition syndrome. Identifiers: Orphanet 71290, MedGen CN281654, MONDO:0011071.

Allele frequency attached by ClinVar (database versions not stated): 1000 Genomes Project 0.21426; 1000 Genomes Project 30x 0.21752; TOPMed 0.22879; gnomAD 0.23411 and 0.23830.
gnomAD v4.1: 35,523 of 152,030 alleles (23%); highest among the groups gnomAD compares: African/African-American, 27%; 4,327 homozygotes.

Submissions (2):

ClinGen Myeloid Malignancy Variant Curation Expert Panel
Classification: Benign for Hereditary thrombocytopenia and hematologic cancer predisposition syndrome. Last evaluated: 2024-08-28. Review status: reviewed by expert panel. Criteria: ClinGen MyeloMalig ACMG Specifications v2. Collection method: curation. Allele origin: germline. Inheritance: Autosomal dominant inheritance.
Comment: NM_001754.5(RUNX1):c.508+259C>T is an intronic variant with a MAF of 0.2807 (28.07%, 2440/8694,) in the African/African American subpopulation of gnomAD cohort is ≥ 0.0015 (0.15%) (BA1). This variant is observed in 942 homozygotes in a population database (gnomAD) (BP2). This intronic variant has a SpliceAI score ≤ 0.20 (Acceptor Loss 0.0) (BP4). Evolutionary conservation prediction algorithms predict the site as not being conserved (PhyloP score -0.65 < 2.0) (BP7). In summary, this variant meets criteria to be classified as benign. ACMG/AMP criteria applied, as specified by the Myeloid Malignancy Variant Curation Expert Panel for RUNX1: BA1, BP4, BP7, BP2

GeneDx
Classification: Benign. Last evaluated: 2018-10-24. Review status: criteria provided, single submitter. Criteria: GeneDx Variant Classification Process June 2021. Collection method: clinical testing. Allele origin: germline. Affected: yes. Not counted in ClinVar's aggregate classification.